The following is an entry in ClinVar:

ClinVar aggregate classification (germline): Uncertain significance (1 of 4 stars; one submission).

gnomAD v4.1: 4 of 1,610,450 alleles (0.00025%); highest among the groups gnomAD compares: Non-Finnish European, 0.00034%; no homozygotes.

Submission:

Labcorp Genetics (formerly Invitae), Labcorp
Classification: Uncertain significance. Last evaluated: 2025-12-11. Review status: criteria provided, single submitter. Criteria: Invitae Variant Classification Sherloc (09022015). Collection method: clinical testing. Allele origin: germline.
Comment: This sequence change replaces valine, which is neutral and non-polar, with leucine, which is neutral and non-polar, at codon 345 of the DOCK6 protein (p.Val345Leu). This variant is not present in population databases (gnomAD no frequency). This variant has not been reported in the literature in individuals affected with DOCK6-related conditions. Invitae Evidence Modeling of protein sequence and biophysical properties (such as structural, functional, and spatial information, amino acid conservation, physicochemical variation, residue mobility, and thermodynamic stability) indicates that this missense variant is expected to disrupt DOCK6 protein function with a positive predictive value of 80%. In summary, the available evidence is currently insufficient to determine the role of this variant in disease. Therefore, it has been classified as a Variant of Uncertain Significance.

NM_020812.4(DOCK6):c.1033G>T (p.Val345Leu)

Gene: DOCK6 (dedicator of cytokinesis 6; minus strand). Cytogenetic location: 19p13.2.
Variant type: single nucleotide variant.
Coding change: c.1033G>T on transcript NM_020812.4 (MANE Select); coding-DNA position 1033, G replaced by T.
Protein change: p.Val345Leu; replaces valine 345 with leucine.
Molecular consequence: missense variant.
Genome position (GRCh38, 1-based): chr19:11,243,873, C>A on the plus strand (G>T on the coding strand, the complement: DOCK6 is on the minus strand). VCF-style: chr19-11243873-C-A. GRCh37 (hg19) VCF-style: chr19-11354549-C-A.
Other names: c.1033G>T, p.Val345Leu (NM_001367830.1); short protein forms V345L.
Identifiers: ClinVar variation 4744747 (VCV004744747.1).
Genomic context (GRCh38, chr19:11,243,873, plus strand): 5'-CCACTTCTTTCAACACCATGTAAGGCTCACAGCACTCACTGATGTCCCCTTGCTGAAGCA[C>A]CTTCTCCAACTGCGGGGCAGATGAATGAATCCAGTGAGGCGCTGCCCGAACGCTCTGTTC-3'
Protein context (NP_065863.2, residues 335-355): DIFLVIKLEK[Val345Leu]LQQGDISECC